The following is an entry in ClinVar:

NM_001271.4(CHD2):c.1508A>C (p.Asn503Thr)

Gene: CHD2 (chromodomain helicase DNA binding protein 2; plus strand). Cytogenetic location: 15q26.1.
Variant type: single nucleotide variant.
Coding change: c.1508A>C on transcript NM_001271.4 (MANE Select); coding-DNA position 1508, A replaced by C.
Protein change: p.Asn503Thr; replaces asparagine 503 with threonine.
Molecular consequence: missense variant.
Genome position (GRCh38, 1-based): chr15:92,953,362, A>C. VCF-style: chr15-92953362-A-C. GRCh37 (hg19) VCF-style: chr15-93496592-A-C.
Other names: short protein forms N503T.
Identifiers: ClinVar variation 1719734 (VCV001719734.6), dbSNP rs2505480065, ClinGen allele CA393904758.

ClinVar aggregate classification (germline): Uncertain significance (1 of 4 stars; one submission).

Conditions:
Developmental and epileptic encephalopathy 94 (DEE94). Also called: CHD2-Related Neurodevelopmental Disorders; Epileptic encephalopathy, childhood-onset. Identifiers: Orphanet 1942, Orphanet 2382, MedGen C3809278, MONDO:0014150, OMIM 615369.

Submission:

Labcorp Genetics (formerly Invitae), Labcorp
Classification: Uncertain significance for Developmental and epileptic encephalopathy 94. Last evaluated: 2022-09-18. Review status: criteria provided, single submitter. Criteria: Invitae Variant Classification Sherloc (09022015). Collection method: clinical testing. Allele origin: germline.
Comment: This sequence change replaces asparagine, which is neutral and polar, with threonine, which is neutral and polar, at codon 503 of the CHD2 protein (p.Asn503Thr). This variant is not present in population databases (gnomAD no frequency). This variant has not been reported in the literature in individuals affected with CHD2-related conditions. Advanced modeling of protein sequence and biophysical properties (such as structural, functional, and spatial information, amino acid conservation, physicochemical variation, residue mobility, and thermodynamic stability) performed at Invitae indicates that this missense variant is not expected to disrupt CHD2 protein function. In summary, the available evidence is currently insufficient to determine the role of this variant in disease. Therefore, it has been classified as a Variant of Uncertain Significance.